The following is an entry in ClinVar:

NC_000018.9:g.(?_29078215)_(29178638_?)dup

Genes: DSG2 (desmoglein 2; plus strand), TTR (transthyretin; plus strand). Cytogenetic location: 18q12.1.
Variant type: Duplication.
Identifiers: ClinVar variation 2424330 (VCV002424330.4).

ClinVar aggregate classification (germline): Uncertain significance. Review status: criteria provided, single submitter (1 of 4 stars). 2 submissions from 1 submitter: Uncertain significance (2). Last evaluated 2023-11-29.

Conditions:
Amyloidosis, hereditary systemic 1 (AMYLD1). Also called: AMYLOID CARDIOMYOPATHY; Familial amyloid polyneuropathy; Transthyretin Amyloidosis; Isolated Cardiac Amyloidosis; Amyloid Cardiomyopathy, Transthyretin-related; Hereditary oculoleptomeningeal amyloid angiopathy. Identifiers: Orphanet 85447, Orphanet 85451, MedGen C2751492, MONDO:0971004, OMIM 105210.
Arrhythmogenic right ventricular dysplasia 10. Also called: Arrhythmogenic right ventricular dysplasia/cardiomyopathy, type 10; Arrhythmogenic Right Ventricular Dysplasia/Cardiomyopathy10; ARRHYTHMOGENIC RIGHT VENTRICULAR DYSPLASIA, FAMILIAL, 10. Identifiers: MedGen C1857777, MONDO:0012434, OMIM 610193.

Submissions (2):

Labcorp Genetics (formerly Invitae), Labcorp
Classification: Uncertain significance for Amyloidosis, hereditary systemic 1. Last evaluated: 2023-11-29. Review status: criteria provided, single submitter. Criteria: Invitae Variant Classification Sherloc (09022015). Collection method: clinical testing. Allele origin: unknown.
Comment: A copy number gain of the genomic region encompassing the full coding sequence of the TTR gene has been identified. The boundaries of this event are unknown as they extend beyond the assayed region for this gene and therefore may encompass additional genes. As the precise location of this event is unknown, it may be in tandem or it may be located elsewhere in the genome. A similar copy number variant has been observed in individual(s) with hereditary transthyretin-mediated amyloidosis (hATTR amyloidosis) (Invitae). In summary, the available evidence is currently insufficient to determine the role of this variant in disease. Therefore, it has been classified as a Variant of Uncertain Significance.

Labcorp Genetics (formerly Invitae), Labcorp
Classification: Uncertain significance for Arrhythmogenic right ventricular dysplasia 10. Last evaluated: 2022-02-21. Review status: criteria provided, single submitter. Criteria: Invitae Variant Classification Sherloc (09022015). Collection method: clinical testing. Allele origin: germline.
Comment: A copy number gain of the genomic region encompassing the full coding sequence of the DSG2 gene has been identified. The boundaries of this event are unknown as they extend beyond the assayed region for this gene and therefore may encompass additional genes. As the precise location of this event is unknown, it may be in tandem or it may be located elsewhere in the genome. This variant has not been reported in the literature in individuals affected with DSG2-related conditions. In summary, the available evidence is currently insufficient to determine the role of this variant in disease. Therefore, it has been classified as a Variant of Uncertain Significance.